The following is an entry in ClinVar:

ClinVar aggregate classification (germline): Conflicting classifications of pathogenicity. Review status: criteria provided, conflicting classifications (1 of 4 stars). 3 submissions from 3 submitters: Uncertain significance (1); Likely benign (2). Last evaluated 2026-08-25.

Conditions:
Hereditary nonpolyposis colorectal neoplasms. Identifiers: MedGen C0009405, MeSH D003123.
Hereditary cancer-predisposing syndrome. Also called: Neoplastic Syndromes, Hereditary; Hereditary Cancer Syndrome; Hereditary neoplastic syndrome; Tumor predisposition. Identifiers: Orphanet 140162, MedGen C0027672, MeSH D009386, MONDO:0015356.

gnomAD v4.1: 1 of 1,614,202 alleles (0.000062%); no homozygotes.

Submissions (3):

Ambry Genetics
Classification: Likely benign for Hereditary cancer-predisposing syndrome. Last evaluated: 2026-08-25. Review status: criteria provided, single submitter. Criteria: Ambry Variant Classification Scheme 2023. Collection method: clinical testing. Allele origin: germline.

Color Diagnostics, LLC DBA Color Health
Classification: Uncertain significance for Hereditary cancer-predisposing syndrome. Last evaluated: 2024-03-06. Review status: criteria provided, single submitter. Criteria: ACMG Guidelines, 2015. Collection method: clinical testing. Allele origin: germline.
Comment: This missense variant replaces lysine with asparagine at codon 646 of the MSH6 protein. Computational prediction suggests that this variant may not impact protein structure and function (internally defined REVEL score threshold <= 0.5, PMID: 27666373). To our knowledge, functional studies have not been reported for this variant. This variant has not been reported in individuals affected with MSH6-related disorders in the literature. This variant has been identified in 1/251198 chromosomes in the general population by the Genome Aggregation Database (gnomAD). The available evidence is insufficient to determine the role of this variant in disease conclusively. Therefore, this variant is classified as a Variant of Uncertain Significance.

Labcorp Genetics (formerly Invitae), Labcorp
Classification: Likely benign for Hereditary nonpolyposis colorectal neoplasms. Last evaluated: 2023-10-03. Review status: criteria provided, single submitter. Criteria: Invitae Variant Classification Sherloc (09022015). Collection method: clinical testing. Allele origin: germline.

NM_000179.3(MSH6):c.1938G>C (p.Lys646Asn)

Gene: MSH6 (mutS homolog 6; plus strand). Cytogenetic location: 2p16.3.
Variant type: single nucleotide variant.
Coding change: c.1938G>C on transcript NM_000179.3 (MANE Select); coding-DNA position 1938, G replaced by C.
Protein change: p.Lys646Asn; replaces lysine 646 with asparagine.
Molecular consequence: missense variant.
Genome position (GRCh38, 1-based): chr2:47,799,921, G>C. VCF-style: chr2-47799921-G-C. GRCh37 (hg19) VCF-style: chr2-48027060-G-C.
Other names: c.1548G>C, p.Lys516Asn (NM_001281492.2); c.1032G>C, p.Lys344Asn (NM_001281493.2, NM_001281494.2); short protein forms K344N, K516N, K646N.
Identifiers: ClinVar variation 647393 (VCV000647393.14), dbSNP rs758631207, ClinGen allele CA346750442.
Genomic context (GRCh38, chr2:47,799,921, plus strand): 5'-GTTTTGGGATGCATCCAAAACTTTGAGAACTCTCCTTGAGGAAGAATATTTTAGGGAAAA[G>C]CTAAGTGATGGCATTGGGGTGATGTTACCCCAGGTGCTTAAAGGTATGACTTCAGAGTCT-3'
Protein context (NP_000170.1, residues 636-656): TLLEEEYFRE[Lys646Asn]LSDGIGVMLP